The following is an entry in ClinVar:

ClinVar aggregate classification (germline): Uncertain significance (1 of 4 stars; one submission).

Conditions:
Alzheimer disease 4 (AD4). Identifiers: Orphanet 1020, MedGen C1847200, MONDO:0011743, OMIM 606889.

Submission:

Laboratorio de Genetica e Diagnostico Molecular, Hospital Israelita Albert Einstein
Classification: Uncertain significance for Alzheimer disease 4. Last evaluated: 2022-08-02. Review status: criteria provided, single submitter. Criteria: ACMG Guidelines, 2015. Collection method: clinical testing. Allele origin: germline. Affected: yes.
Comment: ACMG classification criteria: PM2 moderated, BP4 supporting

NM_000447.3(PSEN2):c.499-10T>C

Gene: PSEN2 (presenilin 2; plus strand). Cytogenetic location: 1q42.13.
Variant type: single nucleotide variant.
Coding change: c.499-10T>C on transcript NM_000447.3 (MANE Select); 10 bases into the intron before coding-DNA position 499, T replaced by C.
Molecular consequence: intron variant.
Genome position (GRCh38, 1-based): chr1:226,888,081, T>C. VCF-style: chr1-226888081-T-C. GRCh37 (hg19) VCF-style: chr1-227075782-T-C.
Other names: c.499-10T>C (NM_012486.3).
Identifiers: ClinVar variation 2431452 (VCV002431452.2), dbSNP rs2527975771, ClinGen allele CA2580062244.